The following is an entry in ClinVar:

NM_000059.4(BRCA2):c.5695G>T (p.Asp1899Tyr)

Gene: BRCA2 (BRCA2 DNA repair associated; plus strand). Cytogenetic location: 13q13.1.
Variant type: single nucleotide variant.
Coding change: c.5695G>T on transcript NM_000059.4 (MANE Select); coding-DNA position 5695, G replaced by T.
Protein change: p.Asp1899Tyr; replaces aspartic acid 1899 with tyrosine.
Molecular consequence: missense variant.
Genome position (GRCh38, 1-based): chr13:32,340,050, G>T. VCF-style: chr13-32340050-G-T. GRCh37 (hg19) VCF-style: chr13-32914187-G-T.
Other names: short protein forms D1899Y.
Identifiers: ClinVar variation 573023 (VCV000573023.10), dbSNP rs371189402, ClinGen allele CA387786686.

ClinVar aggregate classification (germline): Conflicting classifications of pathogenicity. Review status: criteria provided, conflicting classifications (1 of 4 stars). 2 submissions from 2 submitters: Uncertain significance (1); Likely benign (1). Last evaluated 2023-12-22.

Conditions:
Hereditary breast ovarian cancer syndrome. Also called: BRCA1- and BRCA2-Associated Hereditary Breast and Ovarian Cancer; Hereditary breast and ovarian cancer; Hereditary breast and/or ovarian cancer syndrome; Hereditary breast and ovarian cancer syndrome; Hereditary breast and ovarian cancer syndrome (HBOC); Breast and ovarian cancer. Identifiers: Orphanet 145, MedGen C0677776, MeSH D061325, MONDO:0003582. Disease mechanism: loss of function.
Hereditary cancer-predisposing syndrome. Also called: Neoplastic Syndromes, Hereditary; Hereditary Cancer Syndrome; Tumor predisposition; Hereditary neoplastic syndrome. Identifiers: Orphanet 140162, MedGen C0027672, MeSH D009386, MONDO:0015356.

Submissions (2):

Labcorp Genetics (formerly Invitae), Labcorp
Classification: Uncertain significance for Hereditary breast ovarian cancer syndrome. Last evaluated: 2023-12-22. Review status: criteria provided, single submitter. Criteria: Invitae Variant Classification Sherloc (09022015). Collection method: clinical testing. Allele origin: germline.
Comment: This sequence change replaces aspartic acid, which is acidic and polar, with tyrosine, which is neutral and polar, at codon 1899 of the BRCA2 protein (p.Asp1899Tyr). This variant is not present in population databases (gnomAD no frequency). This variant has not been reported in the literature in individuals affected with BRCA2-related conditions. ClinVar contains an entry for this variant (Variation ID: 573023). Advanced modeling of protein sequence and biophysical properties (such as structural, functional, and spatial information, amino acid conservation, physicochemical variation, residue mobility, and thermodynamic stability) performed at Invitae indicates that this missense variant is not expected to disrupt BRCA2 protein function with a negative predictive value of 95%. In summary, the available evidence is currently insufficient to determine the role of this variant in disease. Therefore, it has been classified as a Variant of Uncertain Significance.

University of Washington Department of Laboratory Medicine, University of Washington
Classification: Likely benign for Hereditary cancer-predisposing syndrome. Last evaluated: 2023-03-23. Review status: criteria provided, single submitter. Criteria: Dines et al. (Genet Med. 2020). Collection method: curation. Allele origin: germline.
Comment: Missense variant in a coldspot region where missense variants are very unlikely to be pathogenic (PMID:31911673).

BRCA2 exon 11 coldspot. Reclassification based on statistical prior probability.